The following is an entry in ClinVar:

NM_000051.4(ATM):c.5116_5118del (p.Lys1706del)

Gene: ATM (ATM serine/threonine kinase; plus strand). Cytogenetic location: 11q22.3.
Variant type: Deletion.
Coding change: c.5116_5118del on transcript NM_000051.4 (MANE Select); coding-DNA positions 5116 to 5118, 3 bases deleted (AAA; older notation c.5116_5118delAAA).
Protein change: p.Lys1706del; deletes lysine 1706.
Molecular consequence: inframe deletion.
Genome position (GRCh38, 1-based): chr11:108,299,824-108,299,826, AAA deleted. VCF-style (leftmost placement, unchanged base first): chr11-108299823-TAAA-T. GRCh37 (hg19) VCF-style: chr11-108170550-TAAA-T.
Other names: c.5116_5118del, p.Lys1706del (NM_001351834.2); short protein forms K1706del.
Identifiers: ClinVar variation 4617345 (VCV004617345.1).
Genomic context (GRCh38, chr11:108,299,823, plus strand): 5'-CATAGCTATACAACATAGTAAAGATGCATCTTATACCAAGGCCCTTAAGTTATTTGAAGA[TAAA>T]GAACTTCAGTGGACCTTCATAATGCTGACCTACCTGAATAACACACTGGTAGAAGATTGG-3'

ClinVar aggregate classification (germline): Uncertain significance (1 of 4 stars; one submission).

Conditions:
Hereditary cancer-predisposing syndrome. Also called: Neoplastic Syndromes, Hereditary; Tumor predisposition; Hereditary Cancer Syndrome; Hereditary neoplastic syndrome. Identifiers: Orphanet 140162, MedGen C0027672, MeSH D009386, MONDO:0015356.

Submission:

Ambry Genetics
Classification: Uncertain significance for Hereditary cancer-predisposing syndrome. Last evaluated: 2025-09-26. Review status: criteria provided, single submitter. Criteria: Ambry Variant Classification Scheme 2023. Collection method: clinical testing. Allele origin: germline.
Comment: The c.5116_5118delAAA variant (also known as p.K1706del) is located in coding exon 33 of the ATM gene. This variant results from an in-frame AAA deletion at nucleotide positions 5116 to 5118. This results in the in-frame deletion of a lysine at codon 1706. This amino acid position is well conserved in available vertebrate species. In addition, the in silico prediction for this variant is inconclusive (Choi Y et al. PLoS ONE. 2012; 7(10):e46688). Based on the available evidence, the clinical significance of this variant remains unclear.